The following is an entry in ClinVar:

NM_015294.6(TRIM37):c.*658A>G

Gene: TRIM37 (tripartite motif containing 37; minus strand). Cytogenetic location: 17q22.
Variant type: single nucleotide variant.
Coding change: c.*658A>G on transcript NM_015294.6 (MANE Select); 658 bases downstream of the stop codon, A replaced by G.
Molecular consequence: 3 prime UTR variant. On other transcripts: non-coding transcript variant (2), intron variant (2).
Genome position (GRCh38, 1-based): chr17:58,998,719, T>C on the plus strand (A>G on the coding strand, the complement: TRIM37 is on the minus strand). VCF-style: chr17-58998719-T-C. GRCh37 (hg19) VCF-style: chr17-57076080-T-C.
Other names: c.*658A>G (NM_001320987.3, NM_001320988.3, NM_001320990.3 and 5 more transcripts); c.2774+662A>G (NM_001320989.3); c.2891+662A>G (NM_001005207.5).
Identifiers: ClinVar variation 324181 (VCV000324181.5), dbSNP rs553012670, ClinGen allele CA10650570.
Genomic context (GRCh38, chr17:58,998,719, plus strand): 5'-AATGAAAGAATTTTAAATAATCTTACACGTGTCTACAGGGCCAGGAACGTAATGAATCCA[T>C]GTTAACTTAATTTCATTTAAAATTACATTTGTAGAAGTCACACAACAGAAAGATACCATG-3'

ClinVar aggregate classification (germline): Likely benign (1 of 4 stars; one submission).

Conditions:
Mulibrey nanism syndrome. Also called: MUSCLE-LIVER-BRAIN-EYE NANISM; PERHEENTUPA SYNDROME; PERICARDIAL CONSTRICTION AND GROWTH FAILURE. Identifiers: Orphanet 2576, MedGen C0524582, MONDO:0009664, OMIM 253250.

Allele frequency attached by ClinVar (database versions not stated): gnomAD 0.00001 and 0.00040; TOPMed 0.00013; gnomAD exomes 0.00021; 1000 Genomes Project 0.00319; 1000 Genomes Project 30x 0.00328.
gnomAD v4.1: 259 of 985,710 alleles (0.026%); highest among the groups gnomAD compares: South Asian, 1%; 1 homozygote.

Submission:

Illumina Laboratory Services, Illumina
Classification: Likely benign for Mulibrey nanism syndrome. Last evaluated: 2018-01-13. Review status: criteria provided, single submitter. Criteria: ICSL Variant Classification Criteria 13 December 2019. Collection method: clinical testing. Allele origin: germline.
Comment: This variant was observed in the ICSL laboratory as part of a predisposition screen in an ostensibly healthy population. It had not been previously curated by ICSL or reported in the Human Gene Mutation Database (HGMD: prior to June 1st, 2018), and was therefore a candidate for classification through an automated scoring system. Utilizing variant allele frequency, disease prevalence and penetrance estimates, and inheritance mode, an automated score was calculated to assess if this variant is too frequent to cause the disease. Based on the score and internal cut-off values, a variant classified as likely benign is not then subjected to further curation. The score for this variant resulted in a classification of likely benign for this disease.